The following is an entry in ClinVar:

NM_000551.4(VHL):c.463+5T>C

Genes: VHL (von Hippel-Lindau tumor suppressor; plus strand), LOC107303340 (3p25 von Hippel-Lindau tumor suppressor, E3 ubiquitin protein ligase Alu-mediated recombination region; plus strand). Cytogenetic location: 3p25.3.
Variant type: single nucleotide variant.
Coding change: c.463+5T>C on transcript NM_000551.4 (MANE Select); 5 bases into the intron after coding-DNA position 463, T replaced by C.
Molecular consequence: intron variant.
Genome position (GRCh38, 1-based): chr3:10,146,641, T>C. VCF-style: chr3-10146641-T-C. GRCh37 (hg19) VCF-style: chr3-10188325-T-C.
Other names: c.*18-3146T>C (NM_001354723.2); c.341-3146T>C (NM_198156.3).
Identifiers: ClinVar variation 4866420 (VCV004866420.2).
Genomic context (GRCh38, chr3:10,146,641, plus strand): 5'-TGTGCCATCTCTCAATGTTGACGGACAGCCTATTTTTGCCAATATCACACTGCCAGGTAC[T>C]GACGTTTTACTTTTTAAAAAGATAAGGTTGTTGTGGTAAGTACAGGATAGACCACTTGAA-3'

ClinVar aggregate classification (germline): Conflicting classifications of pathogenicity. Review status: criteria provided, conflicting classifications (1 of 4 stars). 2 submissions from 2 submitters: Uncertain significance (1); Likely benign (1). Last evaluated 2026-05-18.

Conditions:
Hereditary cancer-predisposing syndrome. Also called: Neoplastic Syndromes, Hereditary; Tumor predisposition; Hereditary neoplastic syndrome; Hereditary Cancer Syndrome. Identifiers: Orphanet 140162, MedGen C0027672, MeSH D009386, MONDO:0015356.

Submissions (2):

Ambry Genetics
Classification: Uncertain significance for Hereditary cancer-predisposing syndrome. Last evaluated: 2026-05-18. Review status: criteria provided, single submitter. Criteria: Ambry Variant Classification Scheme 2023. Collection method: clinical testing. Allele origin: germline.
Comment: The c.463+5T>C intronic variant results from a T to C substitution 5 nucleotides after coding exon 2 in the VHL gene. This nucleotide position is well conserved in available vertebrate species. In silico splice site analysis for this alteration is inconclusive. Based on the available evidence, the clinical significance of this variant remains unclear.

Blueprint Genetics
Classification: Likely benign. Last evaluated: 2024-02-08. Review status: criteria provided, single submitter. Criteria: ACMG Guidelines, 2015. Collection method: clinical testing. Allele origin: germline.